The following is an entry in ClinVar:

NM_001165963.4(SCN1A):c.2073G>C (p.Lys691Asn)

Gene: SCN1A (sodium voltage-gated channel alpha subunit 1; minus strand). Cytogenetic location: 2q24.3.
Variant type: single nucleotide variant.
Coding change: c.2073G>C on transcript NM_001165963.4 (MANE Select); coding-DNA position 2073, G replaced by C.
Protein change: p.Lys691Asn; replaces lysine 691 with asparagine.
Molecular consequence: missense variant. On other transcripts: 5 prime UTR variant (1), non-coding transcript variant (1).
Genome position (GRCh38, 1-based): chr2:166,042,395, C>G on the plus strand (G>C on the coding strand, the complement: SCN1A is on the minus strand). VCF-style: chr2-166042395-C-G. GRCh37 (hg19) VCF-style: chr2-166898905-C-G.
Other names: c.2040G>C, p.Lys680Asn (NM_001353951.2, NM_006920.6, NM_001353952.2 and 2 more transcripts); c.1986G>C, p.Lys662Asn (NM_001353960.2); c.-386G>C (NM_001353961.2); c.2037G>C, p.Lys679Asn (NM_001353954.2, NM_001353955.2); c.1989G>C, p.Lys663Asn (NM_001353957.2, NM_001353958.2, NM_001165964.3); c.2073G>C, p.Lys691Asn (NM_001202435.3, NM_001353948.2); short protein forms K662N, K663N, K679N, K680N, K691N.
Identifiers: ClinVar variation 4888183 (VCV004888183.1).
Genomic context (GRCh38, chr2:166,042,395, plus strand): 5'-TTGCCTTTGGGAAGGATCTTCTAGAAAGTCCATGGAAACGTGGAAAGAACTTGACCTTCT[C>G]TTTCTCATTTCAGTTTCAGTGGTTGTTCCCTGTAAAAAAAAATGCTAATGCATTAAACAA-3'
Protein context (NP_001159435.1, residues 681-701): NGTTTETEMR[Lys691Asn]RRSSSFHVSM

ClinVar aggregate classification (germline): Uncertain significance (1 of 4 stars; one submission).

gnomAD v4.1: 3 of 1,613,730 alleles (0.00019%); highest among the groups gnomAD compares: South Asian, 0.0022%; no homozygotes.

Submission:

GeneDx
Classification: Uncertain significance. Last evaluated: 2026-03-02. Review status: criteria provided, single submitter. Criteria: GeneDx Variant Classification Process June 2021. Collection method: clinical testing. Allele origin: germline.
Comment: Not observed at significant frequency in large population cohorts (gnomAD); In silico analysis supports that this missense variant has a deleterious effect on protein structure/function; Has not been previously published as pathogenic or benign to our knowledge; This substitution is predicted to be within the cytoplasmic loop between the first and second homologous domains